The following is an entry in ClinVar:

NM_014043.4(CHMP2B):c.376C>T (p.Gln126Ter)

Gene: CHMP2B (charged multivesicular body protein 2B; plus strand). Cytogenetic location: 3p11.2.
Variant type: single nucleotide variant.
Coding change: c.376C>T on transcript NM_014043.4 (MANE Select); coding-DNA position 376, C replaced by T.
Protein change: p.Gln126Ter; replaces glutamine 126 with a stop codon.
Molecular consequence: nonsense.
Genome position (GRCh38, 1-based): chr3:87,249,929, C>T. VCF-style: chr3-87249929-C-T. GRCh37 (hg19) VCF-style: chr3-87299079-C-T.
Other names: c.253C>T, p.Gln85Ter (NM_001244644.2); short protein forms Q126*, Q85*.
Identifiers: ClinVar variation 1334873 (VCV001334873.7), dbSNP rs1203007423, ClinGen allele CA353697309.

ClinVar aggregate classification (germline): Uncertain significance. Review status: criteria provided, single submitter (1 of 4 stars). 2 submissions from 2 submitters: Uncertain significance (1). 1 of the submissions does not count toward it. Last evaluated 2019-12-10.

Conditions:
CHMP2B-related disorder. Also called: CHMP2B-related condition.

Allele frequency attached by ClinVar (database versions not stated): gnomAD exomes below 0.00001 and 0.00001; TOPMed 0.00001; gnomAD 0.00002.
gnomAD v4.1: 19 of 1,604,396 alleles (0.0012%); highest among the groups gnomAD compares: Non-Finnish European, 0.0016%; no homozygotes.

Submissions (2):

Genetic Services Laboratory, University of Chicago
Classification: Uncertain significance. Last evaluated: 2019-12-10. Review status: criteria provided, single submitter. Criteria: ACMG Guidelines, 2015. Collection method: clinical testing. Allele origin: germline. Affected: no.

PreventionGenetics, part of Exact Sciences
Classification: Likely pathogenic for CHMP2B-related condition. Last evaluated: 2023-12-01. Review status: no assertion criteria provided. Collection method: clinical testing. Allele origin: germline. Not counted in ClinVar's aggregate classification.
Comment: The CHMP2B c.376C>T variant is predicted to result in premature protein termination (p.Gln126*). To our knowledge, this variant has not been reported in the literature. This variant is reported in 0.0016% of alleles in individuals of European (Non-Finnish) descent in gnomAD. Nonsense variants in CHMP2B are expected to be pathogenic (van der Zee et al. 2008. PubMed ID: 17956895). This variant is interpreted as likely pathogenic.